The following is an entry in ClinVar:

ClinVar aggregate classification (germline): Uncertain significance (1 of 4 stars; one submission).

Submission:

Labcorp Genetics (formerly Invitae), Labcorp
Classification: Uncertain significance. Last evaluated: 2024-07-24. Review status: criteria provided, single submitter. Criteria: Invitae Variant Classification Sherloc (09022015). Collection method: clinical testing. Allele origin: germline.
Comment: This variant, c.818_820del, results in the deletion of 1 amino acid(s) of the GNAT1 protein (p.Lys273del), but otherwise preserves the integrity of the reading frame. This variant is not present in population databases (gnomAD no frequency). This variant has been observed in individual(s) with autosomal recessive inherited retinal dystrophy (PMID: 31696758). It has also been observed to segregate with disease in related individuals. Experimental studies and prediction algorithms are not available or were not evaluated, and the functional significance of this variant is currently unknown. In summary, the available evidence is currently insufficient to determine the role of this variant in disease. Therefore, it has been classified as a Variant of Uncertain Significance.

Literature cited by the submitters: PubMed 31696758.

NM_144499.3(GNAT1):c.815AGA[1] (p.Lys273del)

Gene: GNAT1 (G protein subunit alpha transducin 1; plus strand). Cytogenetic location: 3p21.31.
Variant type: Microsatellite.
Coding change: c.815AGA[1] on transcript NM_144499.3 (MANE Select); one copy of the 3-base unit AGA starting at c.815; the reference has two copies in a row; one copy, 3 bases deleted.
Protein change: p.Lys273del; deletes lysine 273.
Molecular consequence: inframe deletion.
Genome position (GRCh38, 1-based): chr3:50,194,610-50,194,612, AGA deleted; deleting any 3 consecutive bases within chr3:50,194,607-50,194,612 gives the same sequence; the position shown is the placement nearest the transcript's 3' end. VCF-style (leftmost placement, unchanged base first): chr3-50194606-GAGA-G. GRCh37 (hg19) VCF-style: chr3-50232039-GAGA-G.
Other names: c.815AGA[1], p.Lys273del (NM_000172.4); short protein forms K273del.
Identifiers: ClinVar variation 1371275 (VCV001371275.6), dbSNP rs1276796249, ClinGen allele CA907922524.
Genomic context (GRCh38, chr3:50,194,606, plus strand): 5'-CACCGCTACTTCGCCACGACGTCCATCGTGCTCTTCCTTAACAAGAAGGACGTCTTCTTC[GAGA>G]AGATCAAGAAGGCGCACCTCAGCATCTGTTTCCCGGACTACGATGGTGAGAAGTCCGCAA-3'